The following is an entry in ClinVar:

ClinVar aggregate classification (germline): Pathogenic. Review status: criteria provided, multiple submitters, no conflicts (2 of 4 stars). 2 submissions from 2 submitters: Pathogenic (2). Last evaluated 2026-04-20.

Conditions:
Familial multiple polyposis syndrome (FAP). Also called: Familial polyposis; Familial Adenomatous Polyposis (FAP); Familial adenomatous polyposis; Familial intestinal polyposis; Classic familial adenomatous polyposis. Identifiers: Orphanet 733, MedGen C0032580, MONDO:0021055. Disease mechanism: loss of function.
Familial adenomatous polyposis 1 (FAP1). Also called: FAMILIAL ADENOMATOUS POLYPOSIS 1, ATTENUATED; POLYPOSIS, ADENOMATOUS INTESTINAL. Identifiers: MedGen C2713442, MONDO:0021056, OMIM 175100. Disease mechanism: loss of function.

Submissions (2):

Women's Health and Genetics/Laboratory Corporation of America, LabCorp
Classification: Pathogenic for Familial multiple polyposis syndrome. Last evaluated: 2026-04-20. Review status: criteria provided, single submitter. Criteria: LabCorp Variant Classification Summary - May 2015. Collection method: clinical testing. Allele origin: germline.
Comment: Variant summary: APC c.416_419delAAGA (p.Lys139ArgfsX30) results in a premature termination codon, predicted to cause absence of the protein due to nonsense mediated decay, which is a commonly known mechanism for disease. The variant was absent in 251370 control chromosomes. c.416_419delAAGA has been observed in individual(s) affected with Familial Adenomatous Polyposis (example, Kanter-Smoler_2008). These report(s) do not provide unequivocal conclusions about association of the variant with Familial Adenomatous Polyposis. To our knowledge, no experimental evidence demonstrating an impact on protein function has been reported. The following publication has been ascertained in the context of this evaluation (PMID: 18433509). ClinVar contains an entry for this variant (Variation ID: 2583317). Based on the evidence outlined above, the variant was classified as pathogenic.

Myriad Genetics, Inc.
Classification: Pathogenic for Familial adenomatous polyposis 1. Last evaluated: 2023-04-25. Review status: criteria provided, single submitter. Criteria: Myriad Autosomal Dominant, Autosomal Recessive and X-Linked Classification Criteria (2023). Collection method: clinical testing. Allele origin: unknown.
Comment: This variant is considered pathogenic. This variant creates a frameshift predicted to result in premature protein truncation.

Literature cited by the submitters: PubMed 18433509 (cited by Women's Health and Genetics/Laboratory Corporation of America, LabCorp).

NM_000038.6(APC):c.416_419del (p.Lys139fs)

Gene: APC (APC regulator of Wnt signaling pathway; plus strand). Cytogenetic location: 5q22.2.
Variant type: Deletion.
Coding change: c.416_419del on transcript NM_000038.6 (MANE Select); coding-DNA positions 416 to 419, 4 bases deleted (AAGA; older notation c.416_419delAAGA).
Protein change: p.Lys139fs; shifts the reading frame from lysine 139.
Molecular consequence: frameshift variant. On other transcripts: 5 prime UTR variant (4), non-coding transcript variant (2).
Genome position (GRCh38, 1-based): chr5:112,767,384-112,767,387, AAGA deleted; deleting any 4 consecutive bases within chr5:112,767,381-112,767,387 gives the same sequence; the c. name uses the placement nearest the transcript's 3' end. VCF-style (leftmost placement, unchanged base first): chr5-112767380-GAGAA-G. GRCh37 (hg19) VCF-style: chr5-112103077-GAGAA-G.
Other names: c.416_419del, p.Lys139fs (NM_001127510.3, NM_001354895.2, NM_001354896.2 and 16 more transcripts); c.446_449del, p.Lys149fs (NM_001127511.3, NM_001354897.2, NM_001354902.2 and 1 more transcripts); c.341_344del, p.Lys114fs (NM_001354898.2, NM_001354904.2, NM_001407451.1); c.239_242del, p.Lys80fs (NM_001354900.2, NM_001354901.2, NM_001354905.2 and 1 more transcripts); c.-620_-617del (NM_001354906.2, NM_001407470.1, NM_001407471.1 and 1 more transcripts); c.416_419delAAGA (NM_000038.6); short protein forms K114fs, K139fs, K149fs, K80fs.
Identifiers: ClinVar variation 2583317 (VCV002583317.3), dbSNP rs2532302787, ClinGen allele CA658760415.